The following is an entry in ClinVar:

ClinVar aggregate classification (germline): Pathogenic. Review status: criteria provided, multiple submitters, no conflicts (2 of 4 stars). 2 submissions from 2 submitters: Pathogenic (2). Last evaluated 2015-08-07.

Submissions (2):

GeneDx
Classification: Pathogenic. Last evaluated: 2015-08-07. Review status: criteria provided, single submitter. Criteria: GeneDx Variant Classification (06012015). Collection method: clinical testing. Allele origin: germline. Affected: yes.
Comment: The c.2595delC deletion in the ATP2A1 gene has not been reported previously as a pathogenic variant nor as a benign polymorphism, to our knowledge. The c.2595delC deletion causes a frameshiftstarting with codon Asparagine 866, changes this amino acid to a Threonine residue, and creates apremature Stop codon at position 5 of the new reading frame, denoted p.Asn866ThrfsX5. This variant ispredicted to cause loss of normal protein function either through protein truncation or nonsense-mediatedmRNA decay. The c.2595delC deletion was not observed in approximately 6,500 individuals of Europeanand African American ancestry in the NHLBI Exome Sequencing Project, indicating it is not a commonbenign variant in these populations. We interpret c.2595delC as a pathogenic variant.

Eurofins Ntd Llc (ga)
Classification: Pathogenic. Last evaluated: 2014-04-02. Review status: criteria provided, single submitter. Criteria: EGL Classification Definitions 2015. Collection method: clinical testing. Allele origin: germline. Observed: 2 variant alleles, 2 heterozygotes.

NM_004320.6(ATP2A1):c.2595del (p.Asn866fs)

Gene: ATP2A1 (ATPase sarcoplasmic/endoplasmic reticulum Ca2+ transporting 1; plus strand). Cytogenetic location: 16p11.2.
Variant type: Deletion.
Coding change: c.2595del on transcript NM_004320.6 (MANE Select); coding-DNA position 2595, one base deleted (C; older notation c.2595delC).
Protein change: p.Asn866fs; shifts the reading frame from asparagine 866.
Molecular consequence: frameshift variant.
Genome position (GRCh38, 1-based): chr16:28,902,650, C deleted. VCF-style (leftmost placement, unchanged base first): chr16-28902649-TC-T. GRCh37 (hg19) VCF-style: chr16-28913970-TC-T.
Other names: c.2220del, p.Asn741fs (NM_001286075.2); c.2595del, p.Asn866fs (NM_173201.5); short protein forms N741fs, N866fs.
Identifiers: ClinVar variation 96542 (VCV000096542.10), dbSNP rs398124554, ClinGen allele CA224215.
Genomic context (GRCh38, chr16:28,902,649, plus strand): 5'-GTGCAGCCACCGTGGGAGCAGCTGCCTGGTGGTTCCTGTACGCTGAGGATGGGCCTCATG[TC>T]AACTACAGCCAGCTGGTAGGGGGAGGCCACAAAGGAGGGGACCAGGAGGGTGTGGGGATG-3'